The following is an entry in ClinVar:

ClinVar aggregate classification (germline): Pathogenic/Likely pathogenic. Review status: criteria provided, multiple submitters, no conflicts (2 of 4 stars). 3 submissions from 3 submitters: Pathogenic (1); Likely pathogenic (2). Last evaluated 2025-07-28.

Conditions:
Wilson disease (WND). Also called: Wilson's disease. Identifiers: Orphanet 905, MedGen C0019202, MONDO:0010200, OMIM 277900. Disease mechanism: loss of function.

Submissions (3):

Natera, Inc.
Classification: Likely pathogenic for Wilson disease. Last evaluated: 2025-07-28. Review status: criteria provided, single submitter. Criteria: Natera Variant Classification Schema (03/2026). Collection method: clinical testing. Allele origin: germline.
Comment: The c.4021+1G>A variant in ATP7B is a canonical splice donor site variant predicted to affect pre-mRNA splicing, which may result in an abnormal transcript and altered protein product. This variant is expected to result in nonsense mediated decay, truncation, or a dysfunctional protein product. This variant is rare in the general population with a frequency below the threshold expected for the associated phenotype(s). Given the available evidence, this variant is classified as Likely Pathogenic.

Fulgent Genetics
Classification: Likely pathogenic for Wilson disease. Last evaluated: 2024-04-29. Review status: criteria provided, single submitter. Criteria: ACMG Guidelines, 2015. Collection method: clinical testing. Allele origin: germline.

Labcorp Genetics (formerly Invitae), Labcorp
Classification: Pathogenic for Wilson disease. Last evaluated: 2020-08-31. Review status: criteria provided, single submitter. Criteria: Invitae Variant Classification Sherloc (09022015). Collection method: clinical testing. Allele origin: germline.
Comment: This sequence change affects a donor splice site in intron 19 of the ATP7B gene. It is expected to disrupt RNA splicing and likely results in an absent or disrupted protein product. This variant is not present in population databases (ExAC no frequency). Disruption of this splice site has been observed in the homozygous state in individual(s) with Wilson disease (WD) (PMID: 24094725). Algorithms developed to predict the effect of sequence changes on RNA splicing suggest that this variant may disrupt the consensus splice site, but this prediction has not been confirmed by published transcriptional studies. Donor and acceptor splice site variants typically lead to a loss of protein function (PMID: 16199547), and loss-of-function variants in ATP7B are known to be pathogenic (PMID: 10441329, 16283883). For these reasons, this variant has been classified as Pathogenic.

Literature cited by the submitters: PubMed 24094725 (cited by Labcorp Genetics (formerly Invitae), Labcorp); PubMed 16199547 (cited by Labcorp Genetics (formerly Invitae), Labcorp); PubMed 10441329 (cited by Labcorp Genetics (formerly Invitae), Labcorp); PubMed 16283883 (cited by Labcorp Genetics (formerly Invitae), Labcorp).

NM_000053.4(ATP7B):c.4021+1G>A

Gene: ATP7B (ATPase copper transporting beta; minus strand). Cytogenetic location: 13q14.3.
Variant type: single nucleotide variant.
Coding change: c.4021+1G>A on transcript NM_000053.4 (MANE Select); the canonical splice donor site of the intron after coding-DNA position 4021, G replaced by A.
Molecular consequence: splice donor variant.
Genome position (GRCh38, 1-based): chr13:51,937,275, C>T on the plus strand (G>A on the coding strand, the complement: ATP7B is on the minus strand). VCF-style: chr13-51937275-C-T. GRCh37 (hg19) VCF-style: chr13-52511411-C-T.
Other names: c.3535+1G>A (NM_001406541.1, NM_001406542.1); c.3769+1G>A (NM_001406531.1, NM_001406532.1, NM_001330579.2); c.3787+1G>A (NM_001406527.1, NM_001406528.1, NM_001330578.2); c.3682+1G>A (NM_001406537.1); c.3877+1G>A (NM_001406521.1, NM_001406522.1, NM_001406520.1); c.4015+1G>A (NM_001406513.1); c.4021+1G>A (NM_001406511.1, NM_001406512.1, NM_000053.3); c.3529+1G>A (NM_001406543.1); and 21 more.
Identifiers: ClinVar variation 2417095 (VCV002417095.6), dbSNP rs2547563651, ClinGen allele CA388020741.